The following is an entry in ClinVar:

NM_000338.3(SLC12A1):c.2687T>G (p.Val896Gly)

Gene: SLC12A1 (solute carrier family 12 member 1; plus strand). Cytogenetic location: 15q21.1.
Variant type: single nucleotide variant.
Coding change: c.2687T>G on transcript NM_000338.3 (MANE Select); coding-DNA position 2687, T replaced by G.
Protein change: p.Val896Gly; replaces valine 896 with glycine.
Molecular consequence: missense variant.
Genome position (GRCh38, 1-based): chr15:48,288,100, T>G. VCF-style: chr15-48288100-T-G. GRCh37 (hg19) VCF-style: chr15-48580297-T-G.
Other names: c.2687T>G, p.Val896Gly (NM_001184832.2, NM_001384136.1); short protein forms V896G.
Identifiers: ClinVar variation 1959603 (VCV001959603.5), dbSNP rs986836079, ClinGen allele CA269453354.

ClinVar aggregate classification (germline): Uncertain significance (1 of 4 stars; one submission).

Allele frequency attached by ClinVar (database versions not stated): gnomAD 0.00001; TOPMed 0.00001.
gnomAD v4.1: 4 of 1,610,982 alleles (0.00025%); highest among the groups gnomAD compares: Admixed American, 0.0017%; no homozygotes.

Submission:

Labcorp Genetics (formerly Invitae), Labcorp
Classification: Uncertain significance. Last evaluated: 2022-08-01. Review status: criteria provided, single submitter. Criteria: Invitae Variant Classification Sherloc (09022015). Collection method: clinical testing. Allele origin: germline.
Comment: This sequence change replaces valine, which is neutral and non-polar, with glycine, which is neutral and non-polar, at codon 896 of the SLC12A1 protein (p.Val896Gly). This variant is not present in population databases (gnomAD no frequency). This variant has not been reported in the literature in individuals affected with SLC12A1-related conditions. Algorithms developed to predict the effect of missense changes on protein structure and function are either unavailable or do not agree on the potential impact of this missense change (SIFT: "Deleterious"; PolyPhen-2: "Benign"; Align-GVGD: "Class C35"). In summary, the available evidence is currently insufficient to determine the role of this variant in disease. Therefore, it has been classified as a Variant of Uncertain Significance.